The following is an entry in ClinVar:

NM_014780.5(CUL7):c.2267C>G (p.Ser756Cys)

Gene: CUL7 (cullin 7; minus strand). Cytogenetic location: 6p21.1.
Variant type: single nucleotide variant.
Coding change: c.2267C>G on transcript NM_014780.5 (MANE Select); coding-DNA position 2267, C replaced by G.
Protein change: p.Ser756Cys; replaces serine 756 with cysteine.
Molecular consequence: missense variant.
Genome position (GRCh38, 1-based): chr6:43,047,010, G>C on the plus strand (C>G on the coding strand, the complement: CUL7 is on the minus strand). VCF-style: chr6-43047010-G-C. GRCh37 (hg19) VCF-style: chr6-43014748-G-C.
Other names: c.2363C>G, p.Ser788Cys (NM_001168370.2, NM_001374872.1); c.2267C>G, p.Ser756Cys (NM_001374873.1, NM_001374874.1); short protein forms S756C, S788C.
Identifiers: ClinVar variation 1041895 (VCV001041895.8), dbSNP rs762653107, ClinGen allele CA364217532.
Genomic context (GRCh38, chr6:43,047,010, plus strand): 5'-ACCATGTCCCGCAGCTCCTGAGCCAGCTCCAGCTTTCCCAGGTGCTTTTCCAGGGCCTTG[G>C]AGATAGCGTCTCTTGCTCCCAGCTGATTCAGCACCACGGCATAGTCCCTGCTCACTGAGG-3'
Protein context (NP_055595.2, residues 746-766): LNQLGARDAI[Ser756Cys]KALEKHLGKL

ClinVar aggregate classification (germline): Uncertain significance (1 of 4 stars; one submission).

Submission:

Labcorp Genetics (formerly Invitae), Labcorp
Classification: Uncertain significance. Last evaluated: 2022-03-03. Review status: criteria provided, single submitter. Criteria: Invitae Variant Classification Sherloc (09022015). Collection method: clinical testing. Allele origin: germline.
Comment: Algorithms developed to predict the effect of missense changes on protein structure and function are either unavailable or do not agree on the potential impact of this missense change (SIFT: "Tolerated"; PolyPhen-2: "Probably Damaging"; Align-GVGD: "Class C15"). This sequence change replaces serine, which is neutral and polar, with cysteine, which is neutral and slightly polar, at codon 756 of the CUL7 protein (p.Ser756Cys). This variant is not present in population databases (gnomAD no frequency). This variant has not been reported in the literature in individuals affected with CUL7-related conditions. ClinVar contains an entry for this variant (Variation ID: 1041895). In summary, the available evidence is currently insufficient to determine the role of this variant in disease. Therefore, it has been classified as a Variant of Uncertain Significance.